The following is an entry in ClinVar:

ClinVar aggregate classification (germline): Uncertain significance. Review status: criteria provided, multiple submitters, no conflicts (2 of 4 stars). 2 submissions from 2 submitters: Uncertain significance (2). Last evaluated 2024-12-02.

Conditions:
Inborn genetic diseases. Identifiers: MedGen C0950123, MeSH D030342.

Allele frequency attached by ClinVar (database versions not stated): gnomAD 0.00001; gnomAD exomes 0.00002; TOPMed 0.00003; ExAC 0.00006.
gnomAD v4.1: 13 of 1,614,092 alleles (0.00081%); highest among the groups gnomAD compares: Admixed American, 0.022%; no homozygotes.

Submissions (2):

Ambry Genetics
Classification: Uncertain significance for Inborn genetic diseases. Last evaluated: 2024-12-02. Review status: criteria provided, single submitter. Criteria: Ambry Variant Classification Scheme 2023. Collection method: clinical testing. Allele origin: germline.

Labcorp Genetics (formerly Invitae), Labcorp
Classification: Uncertain significance. Last evaluated: 2024-02-24. Review status: criteria provided, single submitter. Criteria: Invitae Variant Classification Sherloc (09022015). Collection method: clinical testing. Allele origin: germline.
Comment: This sequence change replaces serine, which is neutral and polar, with cysteine, which is neutral and slightly polar, at codon 87 of the ARFGEF2 protein (p.Ser87Cys). This variant is present in population databases (rs764293660, gnomAD 0.04%). This variant has not been reported in the literature in individuals affected with ARFGEF2-related conditions. ClinVar contains an entry for this variant (Variation ID: 2057318). An algorithm developed to predict the effect of missense changes on protein structure and function (PolyPhen-2) suggests that this variant is likely to be disruptive. In summary, the available evidence is currently insufficient to determine the role of this variant in disease. Therefore, it has been classified as a Variant of Uncertain Significance.

NM_006420.3(ARFGEF2):c.260C>G (p.Ser87Cys)

Gene: ARFGEF2 (ARF guanine nucleotide exchange factor 2; plus strand). Cytogenetic location: 20q13.13.
Variant type: single nucleotide variant.
Coding change: c.260C>G on transcript NM_006420.3 (MANE Select); coding-DNA position 260, C replaced by G.
Protein change: p.Ser87Cys; replaces serine 87 with cysteine.
Molecular consequence: missense variant.
Genome position (GRCh38, 1-based): chr20:48,941,971, C>G. VCF-style: chr20-48941971-C-G. GRCh37 (hg19) VCF-style: chr20-47558508-C-G.
Other names: c.260C>G, p.Ser87Cys (NM_001410846.1); c.260C>G (NM_006420.2); short protein forms S87C.
Identifiers: ClinVar variation 2057318 (VCV002057318.4), dbSNP rs764293660, ClinGen allele CA9898098.